The following is an entry in ClinVar:

ClinVar aggregate classification (germline): Uncertain significance. Review status: criteria provided, multiple submitters, no conflicts (2 of 4 stars). 3 submissions from 3 submitters: Uncertain significance (2). 1 of the submissions does not count toward it. Last evaluated 2024-05-13.

Conditions:
PLXNA2-related disorder. Also called: PLXNA2-related condition.

Allele frequency attached by ClinVar (database versions not stated): gnomAD exomes 0.00003; ExAC 0.00004; TOPMed 0.00011; gnomAD 0.00013 and 0.00015; 1000 Genomes Project 30x 0.00016; 1000 Genomes Project 0.00020.
gnomAD v4.1: 66 of 1,613,734 alleles (0.0041%); highest among the groups gnomAD compares: African/African-American, 0.033%; no homozygotes.

Submissions (3):

Ambry Genetics
Classification: Uncertain significance. Last evaluated: 2024-05-13. Review status: criteria provided, single submitter. Criteria: Ambry Variant Classification Scheme 2023. Collection method: clinical testing. Allele origin: germline.

Labcorp Genetics (formerly Invitae), Labcorp
Classification: Uncertain significance. Last evaluated: 2021-11-22. Review status: criteria provided, single submitter. Criteria: Invitae Variant Classification Sherloc (09022015). Collection method: clinical testing. Allele origin: germline.
Comment: In summary, the available evidence is currently insufficient to determine the role of this variant in disease. Therefore, it has been classified as a Variant of Uncertain Significance. This sequence change replaces alanine, which is neutral and non-polar, with threonine, which is neutral and polar, at codon 669 of the PLXNA2 protein (p.Ala669Thr). This variant is present in population databases (rs200165110, gnomAD 0.02%). This variant has not been reported in the literature in individuals affected with PLXNA2-related conditions. Algorithms developed to predict the effect of missense changes on protein structure and function (SIFT, PolyPhen-2, Align-GVGD) all suggest that this variant is likely to be tolerated.

PreventionGenetics, part of Exact Sciences
Classification: Uncertain significance for PLXNA2-related condition. Last evaluated: 2024-08-26. Review status: no assertion criteria provided. Collection method: clinical testing. Allele origin: germline. Not counted in ClinVar's aggregate classification.
Comment: The PLXNA2 c.2005G>A variant is predicted to result in the amino acid substitution p.Ala669Thr. To our knowledge, this variant has not been reported in the literature. This variant is reported in 0.024% of alleles in individuals of African descent in gnomAD. At this time, the clinical significance of this variant is uncertain due to the absence of conclusive functional and genetic evidence.

NM_025179.4(PLXNA2):c.2005G>A (p.Ala669Thr)

Gene: PLXNA2 (plexin A2; minus strand). Cytogenetic location: 1q32.2.
Variant type: single nucleotide variant.
Coding change: c.2005G>A on transcript NM_025179.4 (MANE Select); coding-DNA position 2005, G replaced by A.
Protein change: p.Ala669Thr; replaces alanine 669 with threonine.
Molecular consequence: missense variant.
Genome position (GRCh38, 1-based): chr1:208,092,878, C>T on the plus strand (G>A on the coding strand, the complement: PLXNA2 is on the minus strand). VCF-style: chr1-208092878-C-T. GRCh37 (hg19) VCF-style: chr1-208266223-C-T.
Other names: c.2005G>A (NM_025179.3); short protein forms A669T.
Identifiers: ClinVar variation 1433946 (VCV001433946.9), dbSNP rs200165110, ClinGen allele CA1373643.